The following is an entry in ClinVar:

ClinVar aggregate classification (germline): Benign/Likely benign. Review status: criteria provided, multiple submitters, no conflicts (2 of 4 stars). 5 submissions from 5 submitters: Benign (1); Likely benign (4). Last evaluated 2025-10-20.

Conditions:
ATM-related cancer predisposition. Also called: ATM-related cancer susceptibility. Identifiers: MedGen CN377759, MONDO:0700270.
Hereditary cancer-predisposing syndrome. Also called: Hereditary neoplastic syndrome; Hereditary Cancer Syndrome; Neoplastic Syndromes, Hereditary; Tumor predisposition. Identifiers: Orphanet 140162, MedGen C0027672, MeSH D009386, MONDO:0015356.
Familial cancer of breast. Also called: BREAST CANCER, FAMILIAL; hereditary breast carcinoma; Hereditary breast cancer. Identifiers: Orphanet 227535, MedGen C0346153, MONDO:0016419, OMIM 114480. Disease mechanism: loss of function.
Ataxia-telangiectasia syndrome (AT). Also called: Ataxia telangiectasia (A-T); Cerebello-oculocutaneous telangiectasia; Immunodeficiency with ataxia telangiectasia; Ataxia-telangiectasia, complementation group E; LOUIS-BAR SYNDROME; Ataxia-telangiectasia, complementation group D. Identifiers: Orphanet 100, MedGen C0004135, MONDO:0008840, OMIM 208900.

Allele frequency attached by ClinVar (database versions not stated): gnomAD exomes 0.00001.
gnomAD v4.1: 3 of 1,610,826 alleles (0.00019%); highest among the groups gnomAD compares: East Asian, 0.0067%; no homozygotes.

Submissions (5):

Labcorp Genetics (formerly Invitae), Labcorp
Classification: Likely benign for Ataxia-telangiectasia syndrome. Last evaluated: 2025-10-20. Review status: criteria provided, single submitter. Criteria: Invitae Variant Classification Sherloc (09022015). Collection method: clinical testing. Allele origin: germline.

Myriad Genetics, Inc.
Classification: Benign for Familial cancer of breast. Last evaluated: 2024-05-16. Review status: criteria provided, single submitter. Criteria: Myriad Autosomal Dominant, Autosomal Recessive and X-Linked Classification Criteria (2023). Collection method: clinical testing. Allele origin: unknown.
Comment: This variant is considered benign. This variant is a silent/synonymous amino acid change and it is not expected to impact splicing.

Department of Pathology and Laboratory Medicine, Sinai Health System
Classification: Likely benign for ATM-related cancer predisposition. Last evaluated: 2020-08-25. Review status: criteria provided, single submitter. Criteria: ACMG Guidelines, 2015. Collection method: clinical testing. Allele origin: germline.

Color Diagnostics, LLC DBA Color Health
Classification: Likely benign for Hereditary cancer-predisposing syndrome. Last evaluated: 2017-10-12. Review status: criteria provided, single submitter. Criteria: ACMG Guidelines, 2015. Collection method: clinical testing. Allele origin: germline.

Ambry Genetics
Classification: Likely benign for Hereditary cancer-predisposing syndrome. Last evaluated: 2016-11-28. Review status: criteria provided, single submitter. Criteria: Ambry Variant Classification Scheme 2023. Collection method: clinical testing. Allele origin: germline.

Literature cited by the submitters: PubMed 30287823 (cited by Department of Pathology and Laboratory Medicine, Sinai Health System).

NM_000051.4(ATM):c.4101C>T (p.Asp1367=)

Gene: ATM (ATM serine/threonine kinase; plus strand). Cytogenetic location: 11q22.3.
Variant type: single nucleotide variant.
Coding change: c.4101C>T on transcript NM_000051.4 (MANE Select); coding-DNA position 4101, C replaced by T.
Protein change: p.Asp1367=; no amino-acid change (aspartic acid 1367 retained).
Molecular consequence: synonymous variant.
Genome position (GRCh38, 1-based): chr11:108,287,707, C>T. VCF-style: chr11-108287707-C-T. GRCh37 (hg19) VCF-style: chr11-108158434-C-T.
Other names: c.4101C>T, p.Asp1367= (NM_001351834.2).
Identifiers: ClinVar variation 135753 (VCV000135753.19), dbSNP rs587780623, ClinGen allele CA332333.